The following is an entry in ClinVar:

ClinVar aggregate classification (germline): Uncertain significance (1 of 4 stars; one submission).

Allele frequency attached by ClinVar (database versions not stated): gnomAD exomes below 0.00001; ExAC 0.00001.
gnomAD v4.1: 1 of 1,613,434 alleles (0.000062%); highest among the groups gnomAD compares: Non-Finnish European, 0.000085%; no homozygotes.

Submission:

Labcorp Genetics (formerly Invitae), Labcorp
Classification: Uncertain significance. Last evaluated: 2023-12-07. Review status: criteria provided, single submitter. Criteria: Invitae Variant Classification Sherloc (09022015). Collection method: clinical testing. Allele origin: germline.
Comment: This sequence change replaces glycine, which is neutral and non-polar, with arginine, which is basic and polar, at codon 4653 of the PCLO protein (p.Gly4653Arg). This variant is present in population databases (rs763260892, gnomAD 0.0009%). This variant has not been reported in the literature in individuals affected with PCLO-related conditions. ClinVar contains an entry for this variant (Variation ID: 1428311). Experimental studies and prediction algorithms are not available or were not evaluated, and the functional significance of this variant is currently unknown. In summary, the available evidence is currently insufficient to determine the role of this variant in disease. Therefore, it has been classified as a Variant of Uncertain Significance.

NM_033026.6(PCLO):c.13957G>C (p.Gly4653Arg)

Gene: PCLO (piccolo presynaptic cytomatrix protein; minus strand). Cytogenetic location: 7q21.11.
Variant type: single nucleotide variant.
Coding change: c.13957G>C on transcript NM_033026.6 (MANE Select); coding-DNA position 13957, G replaced by C.
Protein change: p.Gly4653Arg; replaces glycine 4653 with arginine.
Molecular consequence: missense variant.
Genome position (GRCh38, 1-based): chr7:82,845,360, C>G on the plus strand (G>C on the coding strand, the complement: PCLO is on the minus strand). VCF-style: chr7-82845360-C-G. GRCh37 (hg19) VCF-style: chr7-82474676-C-G.
Other names: c.13957G>C, p.Gly4653Arg (NM_014510.3); short protein forms G4653R.
Identifiers: ClinVar variation 1428311 (VCV001428311.6), dbSNP rs763260892, ClinGen allele CA4318981.
Genomic context (GRCh38, chr7:82,845,360, plus strand): 5'-CTGAGGGGGACCCTGGTTGCCCAGGGCTGGGAACGGAACTGGATCCTGCTGATGTAGGAC[C>G]TGAATGAACATGAGATCCTTTTTCAACAACTGATGACAGAACCAGCGGTGACTGCTGTAG-3'
Protein context (NP_149015.2, residues 4643-4663): VVEKGSHVHS[Gly4653Arg]PTSAGSSSVP